The following is an entry in ClinVar:

ClinVar aggregate classification (germline): Uncertain significance (1 of 4 stars; one submission).

Conditions:
Hereditary pancreatitis (PCTT). Also called: Hereditary chronic pancreatitis; PRSS1-Related Hereditary Pancreatitis. Identifiers: Orphanet 676, MedGen C0238339, MONDO:0008185, OMIM 167800.

Allele frequency attached by ClinVar (database versions not stated): ExAC 0.00024.

Submission:

Sema4
Classification: Uncertain significance for Hereditary pancreatitis. Last evaluated: 2021-12-05. Review status: criteria provided, single submitter. Criteria: Sema4 Curation Guidelines. Collection method: curation. Allele origin: germline.
Comment: The PRSS1 c.442G>C (p.A148P) variant has not been reported in the literature to our knowledge. This variant was observed in 44/21208 chromosomes in the African/African American population according to the Genome Aggregation Database (PMID: 32461654). This variant has not been reported in ClinVar. Functional studies have not been performed, and in silico predictions of the variant's effect on protein function are inconclusive. The overall evidence is insufficient to meet ACMG/AMP criteria for classifying it as benign or pathogenic. In summary, the clinical significance of this variant is currently uncertain.

NM_002769.5(PRSS1):c.442G>C (p.Ala148Pro)

Genes: TRB (T cell receptor beta locus; plus strand), PRSS1 (serine protease 1; plus strand). Cytogenetic location: 7q34.
Variant type: single nucleotide variant.
Coding change: c.442G>C on transcript NM_002769.5 (MANE Select); coding-DNA position 442, G replaced by C.
Protein change: p.Ala148Pro; replaces alanine 148 with proline.
Molecular consequence: missense variant. On other transcripts: non-coding transcript variant (5).
Genome position (GRCh38, 1-based): chr7:142,752,015, G>C. VCF-style: chr7-142752015-G-C. GRCh37 (hg19) VCF-style: chr7-142459866-G-C.
Other names: short protein forms A148P.
Identifiers: ClinVar variation 1692720 (VCV001692720.1), dbSNP rs775290386, ClinGen allele CA4529968.